The following is an entry in ClinVar:

ClinVar aggregate classification (germline): Uncertain significance (1 of 4 stars; one submission).

Conditions:
Microcephaly-intellectual disability-sensorineural hearing loss-epilepsy-abnormal muscle tone syndrome (NEDHSB). Also called: NEURODEVELOPMENTAL DISORDER WITH HEARING LOSS, SEIZURES, AND BRAIN ABNORMALITIES. Identifiers: Orphanet 457351, MedGen C4225276, MONDO:0014698, OMIM 616577.

Allele frequency attached by ClinVar (database versions not stated): gnomAD exomes below 0.00001; gnomAD 0.00001; TOPMed 0.00001.
gnomAD v4.1: 4 of 1,614,030 alleles (0.00025%); highest among the groups gnomAD compares: Admixed American, 0.0017%; no homozygotes.

Submission:

Labcorp Genetics (formerly Invitae), Labcorp
Classification: Uncertain significance for Microcephaly-intellectual disability-sensorineural hearing loss-epilepsy-abnormal muscle tone syndrome. Last evaluated: 2021-08-27. Review status: criteria provided, single submitter. Criteria: Invitae Variant Classification Sherloc (09022015). Collection method: clinical testing. Allele origin: germline.
Comment: This sequence change replaces aspartic acid with glutamic acid at codon 258 of the SPATA5 protein (p.Asp258Glu). The aspartic acid residue is moderately conserved and there is a small physicochemical difference between aspartic acid and glutamic acid. This variant is not present in population databases (ExAC no frequency). This variant has not been reported in the literature in individuals affected with SPATA5-related conditions. Algorithms developed to predict the effect of missense changes on protein structure and function output the following: SIFT: "Tolerated"; PolyPhen-2: "Benign"; Align-GVGD: "Class C0". The glutamic acid amino acid residue is found in multiple mammalian species, which suggests that this missense change does not adversely affect protein function. In summary, the available evidence is currently insufficient to determine the role of this variant in disease. Therefore, it has been classified as a Variant of Uncertain Significance.

NM_145207.3(AFG2A):c.774C>G (p.Asp258Glu)

Gene: AFG2A (AFG2 AAA ATPase homolog A; plus strand). Cytogenetic location: 4q28.1.
Variant type: single nucleotide variant.
Coding change: c.774C>G on transcript NM_145207.3 (MANE Select); coding-DNA position 774, C replaced by G.
Protein change: p.Asp258Glu; replaces aspartic acid 258 with glutamic acid.
Molecular consequence: missense variant.
Genome position (GRCh38, 1-based): chr4:122,934,365, C>G. VCF-style: chr4-122934365-C-G. GRCh37 (hg19) VCF-style: chr4-123855520-C-G.
Other names: c.771C>G, p.Asp257Glu (NM_001317799.2, NM_001345856.2); short protein forms D258E, D257E.
Identifiers: ClinVar variation 839251 (VCV000839251.4), dbSNP rs1207728430, ClinGen allele CA358102013.